The following is an entry in ClinVar:

NM_002449.5(MSX2):c.*510A>G

Gene: MSX2 (msh homeobox 2; plus strand). Cytogenetic location: 5q35.2.
Variant type: single nucleotide variant.
Coding change: c.*510A>G on transcript NM_002449.5 (MANE Select); 510 bases downstream of the stop codon, A replaced by G.
Molecular consequence: 3 prime UTR variant.
Genome position (GRCh38, 1-based): chr5:174,730,093, A>G. VCF-style: chr5-174730093-A-G. GRCh37 (hg19) VCF-style: chr5-174157096-A-G.
Other names: c.*938A>G (NM_001363626.2).
Identifiers: ClinVar variation 352849 (VCV000352849.5), dbSNP rs2381939, ClinGen allele CA10624213.

ClinVar aggregate classification (germline): Benign. Review status: criteria provided, single submitter (1 of 4 stars). 2 submissions from 1 submitter: Benign (2). Last evaluated 2018-01-13.

Conditions:
Parietal foramina 1 (PFM1). Also called: FORAMINA PARIETALIA PERMAGNA; PARIETAL FORAMINA, SYMMETRIC. Identifiers: Orphanet 60015, MedGen C1868599, MONDO:0008197, OMIM 168500.
Craniosynostosis 2 (CRS2). Also called: Warman-Mulliken-Hayward syndrome; Craniosynostosis Warman type; Craniosynostosis Boston type. Identifiers: Orphanet 1541, MedGen C1858160, MONDO:0011481, OMIM 604757.

Allele frequency attached by ClinVar (database versions not stated): 1000 Genomes Project 30x 0.77202; gnomAD 0.77376 and 0.76399; 1000 Genomes Project 0.78095; gnomAD exomes 0.87500; TOPMed 0.76379.

Submissions (2):

Illumina Laboratory Services, Illumina
Classification: Benign for Craniosynostosis 2. Last evaluated: 2018-01-13. Review status: criteria provided, single submitter. Criteria: ICSL Variant Classification Criteria 13 December 2019. Collection method: clinical testing. Allele origin: germline.
Comment: This variant was observed in the ICSL laboratory as part of a predisposition screen in an ostensibly healthy population. It had not been previously curated by ICSL or reported in the Human Gene Mutation Database (HGMD: prior to June 1st, 2018), and was therefore a candidate for classification through an automated scoring system. Utilizing variant allele frequency, disease prevalence and penetrance estimates, and inheritance mode, an automated score was calculated to assess if this variant is too frequent to cause the disease. Based on the score and internal cut-off values, a variant classified as benign is not then subjected to further curation. The score for this variant resulted in a classification of benign for this disease.

Illumina Laboratory Services, Illumina
Classification: Benign for Parietal foramina 1. Last evaluated: 2018-01-13. Review status: criteria provided, single submitter. Criteria: ICSL Variant Classification Criteria 13 December 2019. Collection method: clinical testing. Allele origin: germline.
Comment: the same text as in the submission from Illumina Laboratory Services, Illumina above.